The following is an entry in ClinVar:

ClinVar aggregate classification (germline): Benign/Likely benign. Review status: criteria provided, multiple submitters, no conflicts (2 of 4 stars). 3 submissions from 3 submitters: Benign (1); Likely benign (2). Last evaluated 2025-02-16.

Conditions:
Kabuki syndrome. Also called: Kabuki make-up syndrome; NIIKAWA-KUROKI SYNDROME. Identifiers: Orphanet 2322, MedGen C0796004, MONDO:0016512.

Allele frequency attached by ClinVar (database versions not stated): gnomAD 0.00001 and 0.00002; TOPMed 0.00001; gnomAD exomes 0.00002 and 0.00004; ExAC 0.00003.
gnomAD v4.1: 67 of 1,612,696 alleles (0.0042%); highest among the groups gnomAD compares: Non-Finnish European, 0.0051%; no homozygotes.

Submissions (3):

Laboratory of Genetics, Children's Clinical University Hospital Latvia
Classification: Likely benign. Last evaluated: 2025-02-16. Review status: criteria provided, single submitter. Criteria: ACMG Guidelines, 2015. Collection method: clinical testing. Allele origin: germline. Affected: yes.

CeGaT Center for Human Genetics Tuebingen
Classification: Likely benign. Last evaluated: 2024-03-01. Review status: criteria provided, single submitter. Criteria: CeGaT Center For Human Genetics Tuebingen Variant Classification Criteria Version 2. Collection method: clinical testing. Allele origin: germline. Affected: yes. Observed: 4 variant alleles.
Comment: KMT2D: BP4

Labcorp Genetics (formerly Invitae), Labcorp
Classification: Benign for Kabuki syndrome. Last evaluated: 2023-01-09. Review status: criteria provided, single submitter. Criteria: Invitae Variant Classification Sherloc (09022015). Collection method: clinical testing. Allele origin: germline.

NM_003482.4(KMT2D):c.12509C>T (p.Pro4170Leu)

Gene: KMT2D (lysine methyltransferase 2D; minus strand). Cytogenetic location: 12q13.12.
Variant type: single nucleotide variant.
Coding change: c.12509C>T on transcript NM_003482.4 (MANE Select); coding-DNA position 12509, C replaced by T.
Protein change: p.Pro4170Leu; replaces proline 4170 with leucine.
Molecular consequence: missense variant.
Genome position (GRCh38, 1-based): chr12:49,032,196, G>A on the plus strand (C>T on the coding strand, the complement: KMT2D is on the minus strand). VCF-style: chr12-49032196-G-A. GRCh37 (hg19) VCF-style: chr12-49425979-G-A.
Other names: short protein forms P4170L.
Identifiers: ClinVar variation 806880 (VCV000806880.46), dbSNP rs752971744, ClinGen allele CA6546200.